The following is an entry in ClinVar:

NM_000038.6(APC):c.4645C>G (p.Gln1549Glu)

Gene: APC (APC regulator of Wnt signaling pathway; plus strand). Cytogenetic location: 5q22.2.
Variant type: single nucleotide variant.
Coding change: c.4645C>G on transcript NM_000038.6 (MANE Select); coding-DNA position 4645, C replaced by G.
Protein change: p.Gln1549Glu; replaces glutamine 1549 with glutamic acid.
Molecular consequence: missense variant. On other transcripts: non-coding transcript variant (2).
Genome position (GRCh38, 1-based): chr5:112,840,239, C>G. VCF-style: chr5-112840239-C-G. GRCh37 (hg19) VCF-style: chr5-112175936-C-G.
Other names: c.4645C>G, p.Gln1549Glu (NM_001127510.3, NM_001354895.2, NM_001407450.1); c.4591C>G, p.Gln1531Glu (NM_001127511.3); c.4699C>G, p.Gln1567Glu (NM_001354896.2, NM_001407447.1, NM_001407448.1 and 1 more transcripts); c.4675C>G, p.Gln1559Glu (NM_001354897.2); c.4570C>G, p.Gln1524Glu (NM_001354898.2); c.4561C>G, p.Gln1521Glu (NM_001354899.2); c.4522C>G, p.Gln1508Glu (NM_001354900.2); c.4468C>G, p.Gln1490Glu (NM_001354901.2, NM_001407453.1); and 11 more; short protein forms Q1420E, Q1458E, Q1521E, Q1165E, Q1448E, Q1490E, Q1508E, Q1549E.
Identifiers: ClinVar variation 2801136 (VCV002801136.3), dbSNP rs863225357, ClinGen allele CA16031510.

ClinVar aggregate classification (germline): Uncertain significance (1 of 4 stars; one submission).

Conditions:
Familial adenomatous polyposis 1 (FAP1). Also called: FAMILIAL ADENOMATOUS POLYPOSIS 1, ATTENUATED; POLYPOSIS, ADENOMATOUS INTESTINAL. Identifiers: MedGen C2713442, MONDO:0021056, OMIM 175100. Disease mechanism: loss of function.

Submission:

Labcorp Genetics (formerly Invitae), Labcorp
Classification: Uncertain significance for Familial adenomatous polyposis 1. Last evaluated: 2025-01-29. Review status: criteria provided, single submitter. Criteria: Invitae Variant Classification Sherloc (09022015). Collection method: clinical testing. Allele origin: germline.
Comment: This sequence change replaces glutamine, which is neutral and polar, with glutamic acid, which is acidic and polar, at codon 1549 of the APC protein (p.Gln1549Glu). This variant is not present in population databases (gnomAD no frequency). This variant has not been reported in the literature in individuals affected with APC-related conditions. ClinVar contains an entry for this variant (Variation ID: 2801136). Invitae Evidence Modeling of protein sequence and biophysical properties (such as structural, functional, and spatial information, amino acid conservation, physicochemical variation, residue mobility, and thermodynamic stability) indicates that this missense variant is not expected to disrupt APC protein function with a negative predictive value of 95%. In summary, the available evidence is currently insufficient to determine the role of this variant in disease. Therefore, it has been classified as a Variant of Uncertain Significance.